The following is an entry in ClinVar:

NM_001134407.3(GRIN2A):c.932C>T (p.Ser311Phe)

Gene: GRIN2A (glutamate ionotropic receptor NMDA type subunit 2A; minus strand). Cytogenetic location: 16p13.2.
Variant type: single nucleotide variant.
Coding change: c.932C>T on transcript NM_001134407.3 (MANE Select); coding-DNA position 932, C replaced by T.
Protein change: p.Ser311Phe; replaces serine 311 with phenylalanine.
Molecular consequence: missense variant.
Genome position (GRCh38, 1-based): chr16:9,938,034, G>A on the plus strand (C>T on the coding strand, the complement: GRIN2A is on the minus strand). VCF-style: chr16-9938034-G-A. GRCh37 (hg19) VCF-style: chr16-10031891-G-A.
Other names: c.932C>T, p.Ser311Phe (NM_000833.5, NM_001134408.2); short protein forms S311F.
Identifiers: ClinVar variation 1000191 (VCV001000191.9), dbSNP rs754698963, ClinGen allele CA394798191.

ClinVar aggregate classification (germline): Uncertain significance (1 of 4 stars; one submission).

Conditions:
Landau-Kleffner syndrome (FESD). Also called: APHASIA, ACQUIRED, WITH EPILEPSY; EPILEPSY, FOCAL, WITH SPEECH DISORDER AND WITH OR WITHOUT MENTAL RETARDATION. Identifiers: Orphanet 1945, Orphanet 725, Orphanet 98818, MedGen C0282512, MONDO:0009509, OMIM 245570.

Submission:

Labcorp Genetics (formerly Invitae), Labcorp
Classification: Uncertain significance for Landau-Kleffner syndrome. Last evaluated: 2020-03-27. Review status: criteria provided, single submitter. Criteria: Invitae Variant Classification Sherloc (09022015). Collection method: clinical testing. Allele origin: germline.
Comment: In summary, the available evidence is currently insufficient to determine the role of this variant in disease. Therefore, it has been classified as a Variant of Uncertain Significance. Algorithms developed to predict the effect of missense changes on protein structure and function are either unavailable or do not agree on the potential impact of this missense change (SIFT: "Tolerated"; PolyPhen-2: "Possibly Damaging"; Align-GVGD: "Class C0"). This variant has not been reported in the literature in individuals with GRIN2A-related conditions. This variant is not present in population databases (ExAC no frequency). This sequence change replaces serine with phenylalanine at codon 311 of the GRIN2A protein (p.Ser311Phe). The serine residue is moderately conserved and there is a large physicochemical difference between serine and phenylalanine.